The following is an entry in ClinVar:

NM_006767.4(LZTR1):c.967_980del (p.Val323fs)

Gene: LZTR1 (leucine zipper like post translational regulator 1; plus strand). Cytogenetic location: 22q11.21.
Variant type: Deletion.
Coding change: c.967_980del on transcript NM_006767.4 (MANE Select); coding-DNA positions 967 to 980, 14 bases deleted (GTCGTCCAGCCCAG).
Protein change: p.Val323fs; shifts the reading frame from valine 323.
Molecular consequence: frameshift variant.
Genome position (GRCh38, 1-based): chr22:20,991,803-20,991,816, GTCGTCCAGCCCAG deleted; deleting any 14 consecutive bases within chr22:20,991,801-20,991,816 gives the same sequence; the c. name uses the placement nearest the transcript's 3' end. VCF-style (leftmost placement, unchanged base first): chr22-20991800-GAGGTCGTCCAGCCC-G. GRCh37 (hg19) VCF-style: chr22-21346089-GAGGTCGTCCAGCCC-G.
Other names: short protein forms V323fs.
Identifiers: ClinVar variation 1800606 (VCV001800606.1), dbSNP rs2518617351, ClinGen allele CA2580099213.

ClinVar aggregate classification (germline): Likely pathogenic (1 of 4 stars; one submission).

Submission:

GeneDx
Classification: Likely pathogenic. Last evaluated: 2022-04-05. Review status: criteria provided, single submitter. Criteria: GeneDx Variant Classification Process June 2021. Collection method: clinical testing. Allele origin: germline. Affected: yes.
Comment: Frameshift variant predicted to result in protein truncation or nonsense mediated decay in a gene for which loss of function is a known mechanism of disease; Not observed at significant frequency in large population cohorts (gnomAD); Has not been previously published as pathogenic or benign to our knowledge